The following is an entry in ClinVar:

NM_000169.3(GLA):c.426C>A (p.Cys142Ter)

Genes: GLA (galactosidase alpha; minus strand), RPL36A-HNRNPH2 (RPL36A-HNRNPH2 readthrough; plus strand). Cytogenetic location: Xq22.1.
Variant type: single nucleotide variant.
Coding change: c.426C>A on transcript NM_000169.3 (MANE Select); coding-DNA position 426, C replaced by A.
Protein change: p.Cys142Ter; replaces cysteine 142 with a stop codon.
Molecular consequence: nonsense. On other transcripts: non-coding transcript variant (3), intron variant (2).
Genome position (GRCh38, 1-based): chrX:101,401,753, G>T on the plus strand (C>A on the coding strand, the complement: GLA is on the minus strand). VCF-style: chrX-101401753-G-T. GRCh37 (hg19) VCF-style: chrX-100656741-G-T.
Other names: c.549C>A, p.Cys183Ter (NM_001406747.1, NM_001406749.1); c.426C>A, p.Cys142Ter (NM_001406748.1); c.300+6296G>T (NM_001199973.2); c.177+9931G>T (NM_001199974.2); short protein forms C183*, C142*.
Identifiers: ClinVar variation 2138667 (VCV002138667.7), dbSNP rs1421866281, ClinGen allele CA413930126.

ClinVar aggregate classification (germline): Pathogenic. Review status: criteria provided, multiple submitters, no conflicts (2 of 4 stars). 3 submissions from 3 submitters: Pathogenic (3). Last evaluated 2026-09-08.

Conditions:
Fabry disease. Also called: Fabry's disease; GLA DEFICIENCY; HEREDITARY DYSTOPIC LIPIDOSIS; ANDERSON-FABRY DISEASE; CERAMIDE TRIHEXOSIDASE DEFICIENCY; Ceramide trihexosidosis. Identifiers: Orphanet 324, MedGen C0002986, MONDO:0010526, OMIM 301500, HP:0001071. Disease mechanism: loss of function, Fabry disease is due to inactivating mutations in the X-linked GLA gene resulting in deficiency of the enzyme Alpha Galactosidase-A..

Submissions (3):

Genomenon, Inc
Classification: Pathogenic for Fabry disease. Last evaluated: 2026-09-08. Review status: criteria provided, single submitter. Criteria: Genomenon Sequence Variant Interpretation Standards - Updated. Collection method: curation. Allele origin: germline. Affected: yes.
Comment: GLA p.Cys142Ter (c.426C>A) is a nonsense variant that introduces a premature stop codon at amino acid position 142 and is predicted to result in a truncated or absent protein product. This variant has been observed in at least one proband with clinical features consistent with Fabry disease (PMID:10666480;11531969;15713906). The variant was found to segregate with disease in at least one affected family (PMID:15713906). Functional or patient cell studies have been reported (PMID:11889412;11531969;10666480;15713906). It is absent or not present at a significant frequency in gnomAD. In conclusion, we classify GLA p.Cys142Ter (c.426C>A) as a pathogenic variant.

Labcorp Genetics (formerly Invitae), Labcorp
Classification: Pathogenic for Fabry disease. Last evaluated: 2025-07-27. Review status: criteria provided, single submitter. Criteria: Invitae Variant Classification Sherloc (09022015). Collection method: clinical testing. Allele origin: germline.
Comment: This sequence change creates a premature translational stop signal (p.Cys142*) in the GLA gene. It is expected to result in an absent or disrupted protein product. Loss-of-function variants in GLA are known to be pathogenic (PMID: 10666480, 12175777). This variant is not present in population databases (gnomAD no frequency). This premature translational stop signal has been observed in individual(s) with Fabry disease (PMID: 10666480). ClinVar contains an entry for this variant (Variation ID: 2138667). For these reasons, this variant has been classified as Pathogenic.

Women's Health and Genetics/Laboratory Corporation of America, LabCorp
Classification: Pathogenic for Fabry disease. Last evaluated: 2023-06-05. Review status: criteria provided, single submitter. Criteria: LabCorp Variant Classification Summary - May 2015. Collection method: clinical testing. Allele origin: germline.
Comment: Variant summary: GLA c.426C>A (p.Cys142X) results in a premature termination codon, predicted to cause a truncation of the encoded protein or absence of the protein due to nonsense mediated decay, which are commonly known mechanisms for disease. The variant was absent in 183470 control chromosomes (gnomAD, v2.1). c.426C>A has been reported in the literature in individuals affected with Fabry Disease, including two hemizygous affected brothers (e.g., Ries_2005). These data indicate that the variant is likely to be associated with disease. The following publication was ascertained in the context of this evaluation (PMID: 15713906). One clinical diagnostic laboratory has submitted clinical-significance assessments for this variant to ClinVar after 2014 and classified the variant as pathogenic. Based on the evidence outlined above, the variant was classified as pathogenic.

Literature cited by the submitters: PubMed 10666480 (cited by Genomenon, Inc and Labcorp Genetics (formerly Invitae), Labcorp); PubMed 11531969 (cited by Genomenon, Inc); PubMed 15713906 (cited by Genomenon, Inc and Women's Health and Genetics/Laboratory Corporation of America, LabCorp); PubMed 11889412 (cited by Genomenon, Inc); PubMed 12175777 (cited by Labcorp Genetics (formerly Invitae), Labcorp).